The following is an entry in ClinVar:

NM_207361.6(FREM2):c.3035_3040dup (p.Gly1012_Ser1013dup)

Gene: FREM2 (FRAS1 related extracellular matrix 2; plus strand). Cytogenetic location: 13q13.3.
Variant type: Duplication.
Coding change: c.3035_3040dup on transcript NM_207361.6 (MANE Select); coding-DNA positions 3035 to 3040, 6 bases duplicated (GCTCTG; older notation c.3035_3040dupGCTCTG).
Protein change: p.Gly1012_Ser1013dup.
Molecular consequence: inframe insertion.
Genome position (GRCh38, 1-based): chr13:38,690,379-38,690,384, GCTCTG duplicated; duplicating any 6 consecutive bases within chr13:38,690,378-38,690,384 gives the same sequence; the c. name uses the placement nearest the transcript's 3' end. VCF-style (leftmost placement, unchanged base first): chr13-38690377-G-GGGCTCT. GRCh37 (hg19) VCF-style: chr13-39264514-G-GGGCTCT.
Other names: c.3033_3034insGGCTCT (NM_207361.6); c.3035_3040dup (NM_207361.5); c.3035_3040dup6 (NM_207361.5).
Identifiers: ClinVar variation 596336 (VCV000596336.19), dbSNP rs570476408, ClinGen allele CA6954718.
Genomic context (GRCh38, chr13:38,690,377, plus strand): 5'-TGGGGAAATCTTGGTCAATGGCATTCCAGCAGAGCAGTTTACTCAAAGGGACATCTTGGA[G>GGGCTCT]GGCTCTGTTGTATATACCCACACCAGTGGTGAGATAGGCCTATTGCCTAAAGCGGATTCT-3'

ClinVar aggregate classification (germline): Conflicting classifications of pathogenicity. Review status: criteria provided, conflicting classifications (1 of 4 stars). 6 submissions from 6 submitters: Uncertain significance (1); Benign (2); Likely benign (2). 1 of the submissions does not count toward it. Last evaluated 2026-01-14.

Conditions:
Fraser syndrome 1 (FRASRS1). Also called: CRYPTOPHTHALMOS WITH OTHER MALFORMATIONS. Identifiers: Orphanet 2052, MedGen C4551480, MONDO:0054737, OMIM 219000.
FREM2-related disorder. Also called: FREM2-related condition.

Submissions (6):

Labcorp Genetics (formerly Invitae), Labcorp
Classification: Benign. Last evaluated: 2026-01-14. Review status: criteria provided, single submitter. Criteria: Invitae Variant Classification Sherloc (09022015). Collection method: clinical testing. Allele origin: germline.

Blueprint Genetics
Classification: Likely benign. Last evaluated: 2024-06-05. Review status: criteria provided, single submitter. Criteria: ACMG Guidelines, 2015. Collection method: clinical testing. Allele origin: germline.

GeneDx
Classification: Uncertain significance. Last evaluated: 2022-09-12. Review status: criteria provided, single submitter. Criteria: GeneDx Variant Classification Process June 2021. Collection method: clinical testing. Allele origin: germline. Affected: yes.
Comment: In-frame duplication of 2 amino acids in a non-repeat region; Has not been previously published as pathogenic or benign to our knowledge

Department of Pathology and Laboratory Medicine, Sinai Health System
Classification: Benign for Fraser syndrome 1. Last evaluated: 2020-01-17. Review status: criteria provided, single submitter. Criteria: ACMG Guidelines, 2015. Collection method: research. Allele origin: germline.

Eurofins Ntd Llc (ga)
Classification: Likely benign. Last evaluated: 2018-03-26. Review status: criteria provided, single submitter. Criteria: EGL ClinVar v180209 classification definitions. Collection method: clinical testing. Allele origin: germline. Observed: 1 variant allele, 1 heterozygote.

PreventionGenetics, part of Exact Sciences
Classification: Benign for FREM2-related condition. Last evaluated: 2019-11-07. Review status: no assertion criteria provided. Collection method: clinical testing. Allele origin: germline. Not counted in ClinVar's aggregate classification.
Comment: This variant is classified as benign based on ACMG/AMP sequence variant interpretation guidelines (Richards et al. 2015 PMID: 25741868, with internal and published modifications).